The following is an entry in ClinVar:

NM_001032386.2(SUOX):c.1349G>A (p.Trp450Ter)

Gene: SUOX (sulfite oxidase; plus strand). Cytogenetic location: 12q13.2.
Variant type: single nucleotide variant.
Coding change: c.1349G>A on transcript NM_001032386.2 (MANE Select); coding-DNA position 1349, G replaced by A.
Protein change: p.Trp450Ter; replaces tryptophan 450 with a stop codon.
Molecular consequence: nonsense.
Genome position (GRCh38, 1-based): chr12:56,004,738, G>A. VCF-style: chr12-56004738-G-A. GRCh37 (hg19) VCF-style: chr12-56398522-G-A.
Other names: c.1349G>A, p.Trp450Ter (NM_000456.3, NM_001032387.2); short protein forms W450*.
Identifiers: ClinVar variation 1465250 (VCV001465250.7), dbSNP rs2136513148, ClinGen allele CA385293830.
Genomic context (GRCh38, chr12:56,004,738, plus strand): 5'-CAGAGCCCCGGGATGGAGAGACTGTAGAATCAGGGGAGGTGACCATCAAGGGCTATGCAT[G>A]GAGTGGTGGTGGCAGGGCTGTGATCCGGGTGGATGTGTCTCTGGATGGGGGCCTAACCTG-3'

ClinVar aggregate classification (germline): Pathogenic (1 of 4 stars; one submission).

Conditions:
Sulfite oxidase deficiency. Also called: Isolated sulfite oxidase deficiency. Identifiers: Orphanet 833, Orphanet 99731, MedGen C0268624, MONDO:0010089, OMIM 272300, HP:0003643.

Submission:

Labcorp Genetics (formerly Invitae), Labcorp
Classification: Pathogenic for Sulfite oxidase deficiency. Last evaluated: 2022-10-28. Review status: criteria provided, single submitter. Criteria: Invitae Variant Classification Sherloc (09022015). Collection method: clinical testing. Allele origin: germline.
Comment: This sequence change creates a premature translational stop signal (p.Trp450*) in the SUOX gene. While this is not anticipated to result in nonsense mediated decay, it is expected to disrupt the last 96 amino acid(s) of the SUOX protein. This variant is not present in population databases (gnomAD no frequency). ClinVar contains an entry for this variant (Variation ID: 1465250). This variant has not been reported in the literature in individuals affected with SUOX-related conditions. This variant disrupts a region of the SUOX protein in which other variant(s) (p.Arg529*) have been determined to be pathogenic (PMID: 17940249, 28980090). This suggests that this is a clinically significant region of the protein, and that variants that disrupt it are likely to be disease-causing. Experimental studies and prediction algorithms are not available or were not evaluated, and the functional significance of this variant is currently unknown. For these reasons, this variant has been classified as Pathogenic.

Literature cited by the submitters: PubMed 17940249; PubMed 28980090.